The following is an entry in ClinVar:

ClinVar aggregate classification (germline): Uncertain significance. Review status: criteria provided, multiple submitters, no conflicts (2 of 4 stars). 2 submissions from 2 submitters: Uncertain significance (2). Last evaluated 2025-09-10.

Conditions:
Inborn genetic diseases. Identifiers: MedGen C0950123, MeSH D030342.

gnomAD v4.1: 12 of 1,613,070 alleles (0.00074%); highest among the groups gnomAD compares: Admixed American, 0.0033%; no homozygotes.

Submissions (2):

Ambry Genetics
Classification: Uncertain significance for Inborn genetic diseases. Last evaluated: 2025-09-10. Review status: criteria provided, single submitter. Criteria: Ambry Variant Classification Scheme 2023. Collection method: clinical testing. Allele origin: germline.

GeneDx
Classification: Uncertain significance. Last evaluated: 2024-12-19. Review status: criteria provided, single submitter. Criteria: GeneDx Variant Classification Process June 2021. Collection method: clinical testing. Allele origin: germline. Affected: yes.
Comment: In silico analysis supports that this missense variant has a deleterious effect on protein structure/function; Has not been previously published as pathogenic or benign to our knowledge

NM_001039213.4(CEACAM16):c.236C>T (p.Pro79Leu)

Genes: CEACAM16 (CEA cell adhesion molecule 16, tectorial membrane component; plus strand), CEACAM16-AS1 (CEACAM16, CEACAM19 and PVR antisense RNA 1; minus strand). Cytogenetic location: 19q13.32.
Variant type: single nucleotide variant.
Coding change: c.236C>T on transcript NM_001039213.4 (MANE Select); coding-DNA position 236, C replaced by T.
Protein change: p.Pro79Leu; replaces proline 79 with leucine.
Molecular consequence: missense variant.
Genome position (GRCh38, 1-based): chr19:44,703,547, C>T. VCF-style: chr19-44703547-C-T. GRCh37 (hg19) VCF-style: chr19-45206817-C-T.
Other names: c.236C>T (NM_001039213.2); short protein forms P79L.
Identifiers: ClinVar variation 3906828 (VCV003906828.2).